The following is an entry in ClinVar:

NM_001845.6(COL4A1):c.878G>C (p.Gly293Ala)

Gene: COL4A1 (collagen type IV alpha 1 chain; minus strand). Cytogenetic location: 13q34.
Variant type: single nucleotide variant.
Coding change: c.878G>C on transcript NM_001845.6 (MANE Select); coding-DNA position 878, G replaced by C.
Protein change: p.Gly293Ala; replaces glycine 293 with alanine.
Molecular consequence: missense variant.
Genome position (GRCh38, 1-based): chr13:110,205,519, C>G on the plus strand (G>C on the coding strand, the complement: COL4A1 is on the minus strand). VCF-style: chr13-110205519-C-G. GRCh37 (hg19) VCF-style: chr13-110857866-C-G.
Other names: c.878G>C, p.Gly293Ala (NM_001303110.2); short protein forms G293A.
Identifiers: ClinVar variation 4746059 (VCV004746059.1).

ClinVar aggregate classification (germline): Likely pathogenic (1 of 4 stars; one submission).

Submission:

Labcorp Genetics (formerly Invitae), Labcorp
Classification: Likely pathogenic. Last evaluated: 2025-09-01. Review status: criteria provided, single submitter. Criteria: Invitae Variant Classification Sherloc (09022015). Collection method: clinical testing. Allele origin: germline.
Comment: This sequence change replaces glycine, which is neutral and non-polar, with alanine, which is neutral and non-polar, at codon 293 of the COL4A1 protein (p.Gly293Ala). This variant is not present in population databases (gnomAD no frequency). This variant has not been reported in the literature in individuals affected with COL4A1-related conditions. Invitae Evidence Modeling of protein sequence and biophysical properties (such as structural, functional, and spatial information, amino acid conservation, physicochemical variation, residue mobility, and thermodynamic stability) indicates that this missense variant is expected to disrupt COL4A1 protein function with a positive predictive value of 95%. This variant disrupts the triple helix domain of COL4A1. Glycine residues within the Gly-Xaa-Yaa repeats of the triple helix domain are required for the structure and stability of fibrillar collagens (PMID: 7695699, 8218237, 19344236). In COL4A1 variants affecting these glycine residues are significantly enriched in individuals with disease (PMID: 9016532, 17078022) compared to the general population (ExAC). In summary, the currently available evidence indicates that the variant is pathogenic, but additional data are needed to prove that conclusively. Therefore, this variant has been classified as Likely Pathogenic.

Literature cited by the submitters: PubMed 7695699; PubMed 8218237; PubMed 19344236; PubMed 9016532; PubMed 17078022.